The following is an entry in ClinVar:

NM_000245.4(MET):c.1484C>T (p.Thr495Ile)

Gene: MET (MET proto-oncogene, receptor tyrosine kinase; plus strand). Cytogenetic location: 7q31.2.
Variant type: single nucleotide variant.
Coding change: c.1484C>T on transcript NM_000245.4 (MANE Select); coding-DNA position 1484, C replaced by T.
Protein change: p.Thr495Ile; replaces threonine 495 with isoleucine.
Molecular consequence: missense variant.
Genome position (GRCh38, 1-based): chr7:116,740,041, C>T. VCF-style: chr7-116740041-C-T. GRCh37 (hg19) VCF-style: chr7-116380095-C-T.
Other names: c.1484C>T, p.Thr495Ile (NM_001127500.3, NM_001324401.3); c.194C>T, p.Thr65Ile (NM_001324402.2); short protein forms T495I, T65I.
Identifiers: ClinVar variation 3015202 (VCV003015202.4), dbSNP rs45585831, ClinGen allele CA164872844.

ClinVar aggregate classification (germline): Conflicting classifications of pathogenicity. Review status: criteria provided, conflicting classifications (1 of 4 stars). 2 submissions from 2 submitters: Uncertain significance (1); Likely benign (1). Last evaluated 2025-09-16.

Conditions:
Hereditary cancer-predisposing syndrome. Also called: Neoplastic Syndromes, Hereditary; Tumor predisposition; Hereditary neoplastic syndrome; Hereditary Cancer Syndrome. Identifiers: Orphanet 140162, MedGen C0027672, MeSH D009386, MONDO:0015356.
Renal cell carcinoma. Identifiers: Orphanet 217071, MedGen C0007134, MeSH D002292, MONDO:0005086, HP:0005584.

Submissions (2):

Ambry Genetics
Classification: Likely benign for Hereditary cancer-predisposing syndrome. Last evaluated: 2025-09-16. Review status: criteria provided, single submitter. Criteria: Ambry Variant Classification Scheme 2023. Collection method: clinical testing. Allele origin: germline.

Labcorp Genetics (formerly Invitae), Labcorp
Classification: Uncertain significance for Renal cell carcinoma. Last evaluated: 2023-04-03. Review status: criteria provided, single submitter. Criteria: Invitae Variant Classification Sherloc (09022015). Collection method: clinical testing. Allele origin: germline.
Comment: In summary, the available evidence is currently insufficient to determine the role of this variant in disease. Therefore, it has been classified as a Variant of Uncertain Significance. An algorithm developed to predict the effect of missense changes on protein structure and function (PolyPhen-2) suggests that this variant is likely to be tolerated. This missense change has been observed in individual(s) with parathyroid cancer (PMID: 30093976). This variant is not present in population databases (gnomAD no frequency). This sequence change replaces threonine, which is neutral and polar, with isoleucine, which is neutral and non-polar, at codon 495 of the MET protein (p.Thr495Ile).

Literature cited by the submitters: PubMed 30093976 (cited by Labcorp Genetics (formerly Invitae), Labcorp).